The following is an entry in ClinVar:

ClinVar aggregate classification (germline): Uncertain significance (1 of 4 stars; one submission).

Allele frequency attached by ClinVar (database versions not stated): gnomAD exomes below 0.00001.
gnomAD v4.1: 7 of 1,614,118 alleles (0.00043%); highest among the groups gnomAD compares: Non-Finnish European, 0.00059%; no homozygotes.

Submission:

GeneDx
Classification: Uncertain significance. Last evaluated: 2016-01-06. Review status: criteria provided, single submitter. Criteria: GeneDx Variant Classification (06012015). Collection method: clinical testing. Allele origin: germline. Affected: yes.
Comment: The N138D variant has not been published as a pathogenic variant, nor has it been reported as a benign variant to our knowledge. It was not observed in approximately 6,500 individuals of European and African American ancestry in the NHLBI Exome Sequencing Project, indicating it is not a common benign variant in these populations. The N138D variant is a semi-conservative amino acid substitution, which may impact secondary protein structure as these residues differ in some properties. This substitution occurs at a position that is conserved across species. In silico analysis predicts this variant is probably damaging to the protein structure/function. Therefore, based on the currently available information, it is unclear whether this variant is a pathogenic variant or a rare benign variant.

NM_014365.3(HSPB8):c.412A>G (p.Asn138Asp)

Gene: HSPB8 (heat shock protein family B (small) member 8; plus strand). Cytogenetic location: 12q24.23.
Variant type: single nucleotide variant.
Coding change: c.412A>G on transcript NM_014365.3 (MANE Select); coding-DNA position 412, A replaced by G.
Protein change: p.Asn138Asp; replaces asparagine 138 with aspartic acid.
Molecular consequence: missense variant.
Genome position (GRCh38, 1-based): chr12:119,187,069, A>G. VCF-style: chr12-119187069-A-G. GRCh37 (hg19) VCF-style: chr12-119624874-A-G.
Other names: short protein forms N138D.
Identifiers: ClinVar variation 246287 (VCV000246287.2), dbSNP rs879254194, ClinGen allele CA10584402.
Genomic context (GRCh38, chr12:119,187,069, plus strand): 5'-CTTTTCTTCCTTCCAGGCAAACATGAAGAGAAACAGCAAGAAGGTGGCATTGTTTCTAAG[A>G]ACTTCACAAAGAAAATCCAGTAAGTAACCTGGAGTCATGGAGCTCAGGGTGGGAGTGGAG-3'
Protein context (NP_055180.1, residues 128-148): KQQEGGIVSK[Asn138Asp]FTKKIQLPAE